The following is an entry in ClinVar:

NM_000516.7(GNAS):c.461G>A (p.Trp154Ter)

Gene: GNAS (GNAS complex locus; plus strand). Cytogenetic location: 20q13.32.
Variant type: single nucleotide variant.
Coding change: c.461G>A on transcript NM_000516.7 (MANE Select); coding-DNA position 461, G replaced by A.
Protein change: p.Trp154Ter; replaces tryptophan 154 with a stop codon.
Molecular consequence: nonsense. On other transcripts: 3 prime UTR variant (2).
Genome position (GRCh38, 1-based): chr20:58,905,411, G>A. VCF-style: chr20-58905411-G-A. GRCh37 (hg19) VCF-style: chr20-57480466-G-A.
Other names: c.464G>A, p.Trp155Ter (NM_001077488.5); c.416G>A, p.Trp139Ter (NM_001077489.4); c.*322G>A (NM_001077490.3); c.284G>A, p.Trp95Ter (NM_001309840.2, NM_001309861.2); c.*367G>A (NM_016592.5); c.2390G>A, p.Trp797Ter (NM_080425.4); c.419G>A, p.Trp140Ter (NM_080426.4); short protein forms W139*, W155*, W797*, W95*, W154*, W140*.
Identifiers: ClinVar variation 1456892 (VCV001456892.6), dbSNP rs2146209197, ClinGen allele CA409451106.
Genomic context (GRCh38, chr20:58,905,411, plus strand): 5'-CTTTCTCTAAACTTTCTTGTGTTCACTTTCAGGAATTCTATGAGCATGCCAAGGCTCTGT[G>A]GGAGGATGAAGGAGTGCGTGCCTGCTACGAACGCTCCAACGAGTACCAGCTGATTGACTG-3'

ClinVar aggregate classification (germline): Pathogenic (1 of 4 stars; one submission).

Submission:

Labcorp Genetics (formerly Invitae), Labcorp
Classification: Pathogenic. Last evaluated: 2021-08-20. Review status: criteria provided, single submitter. Criteria: Invitae Variant Classification Sherloc (09022015). Collection method: clinical testing. Allele origin: germline.
Comment: For these reasons, this variant has been classified as Pathogenic. This premature translational stop signal has been observed in individual(s) with pseudohypoparathyroidism type 1a or Albright’s hereditary osteodystrophy (PMID: 11788646). This variant is not present in population databases (ExAC no frequency). This sequence change creates a premature translational stop signal (p.Trp154*) in the GNAS gene. It is expected to result in an absent or disrupted protein product. Loss-of-function variants in GNAS are known to be pathogenic (PMID: 11784876, 23281139, 23796510, 25802881).

Literature cited by the submitters: PubMed 11788646; PubMed 11784876; PubMed 23281139; PubMed 23796510; PubMed 25802881.